The following is an entry in ClinVar:

NM_005881.4(BCKDK):c.521G>A (p.Arg174His)

Gene: BCKDK (branched chain keto acid dehydrogenase kinase; plus strand). Cytogenetic location: 16p11.2.
Variant type: single nucleotide variant.
Coding change: c.521G>A on transcript NM_005881.4 (MANE Select); coding-DNA position 521, G replaced by A.
Protein change: p.Arg174His; replaces arginine 174 with histidine.
Molecular consequence: missense variant.
Genome position (GRCh38, 1-based): chr16:31,110,302, G>A. VCF-style: chr16-31110302-G-A. GRCh37 (hg19) VCF-style: chr16-31121623-G-A.
Other names: c.521G>A, p.Arg174His (NM_001122957.4, NM_001271926.3); short protein forms R174H.
Identifiers: ClinVar variation 4975423 (VCV004975423.1).

ClinVar aggregate classification (germline): Uncertain significance (1 of 4 stars; one submission).

gnomAD v4.1: 15 of 1,613,912 alleles (0.00093%); highest among the groups gnomAD compares: Non-Finnish European, 0.0012%; no homozygotes.

Submission:

GeneDx
Classification: Uncertain significance. Last evaluated: 2026-01-21. Review status: criteria provided, single submitter. Criteria: GeneDx Variant Classification Process June 2021. Collection method: clinical testing. Allele origin: germline.
Comment: Not observed at significant frequency in large population cohorts (gnomAD); In silico analysis supports that this missense variant has a deleterious effect on protein structure/function; In silico analysis is inconclusive as to whether the variant alters gene splicing. In the absence of RNA/functional studies, the actual effect of this sequence change is unknown.; Has not been previously published as pathogenic or benign to our knowledge